The following is an entry in ClinVar:

ClinVar aggregate classification (germline): Likely benign (0 of 4 stars; one submission).

Conditions:
ZNF674-related disorder. Also called: ZNF674-related condition.

Allele frequency attached by ClinVar (database versions not stated): gnomAD exomes 0.00010; ExAC 0.00046; 1000 Genomes Project 0.00106; gnomAD 0.00112; TOPMed 0.00113; ESP Exome Variant Server 0.00152.
gnomAD v4.1: 233 of 1,200,287 alleles (0.019%); highest among the groups gnomAD compares: African/African-American, 0.38%; no homozygotes.

Submission:

PreventionGenetics, part of Exact Sciences
Classification: Likely benign for ZNF674-related condition. Last evaluated: 2023-04-14. Review status: no assertion criteria provided. Collection method: clinical testing. Allele origin: germline.
Comment: This variant is classified as likely benign based on ACMG/AMP sequence variant interpretation guidelines (Richards et al. 2015 PMID: 25741868, with internal and published modifications).

NM_001190417.2(ZNF674):c.1619G>T (p.Arg540Ile)

Gene: ZNF674 (zinc finger protein 674; minus strand). Cytogenetic location: Xp11.3.
Variant type: single nucleotide variant.
Coding change: c.1619G>T on transcript NM_001190417.2 (MANE Select); coding-DNA position 1619, G replaced by T.
Protein change: p.Arg540Ile; replaces arginine 540 with isoleucine.
Molecular consequence: missense variant.
Genome position (GRCh38, 1-based): chrX:46,499,955, C>A on the plus strand (G>T on the coding strand, the complement: ZNF674 is on the minus strand). VCF-style: chrX-46499955-C-A. GRCh37 (hg19) VCF-style: chrX-46359390-C-A.
Other names: c.1634G>T, p.Arg545Ile (NM_001039891.3); c.1616G>T, p.Arg539Ile (NM_001146291.2); short protein forms R539I, R540I, R545I.
Identifiers: ClinVar variation 3034837 (VCV003034837.2), dbSNP rs189069684, ClinGen allele CA10393310.